The following is an entry in ClinVar:

NM_001267550.2(TTN):c.107864C>T (p.Thr35955Ile)

Genes: TTN (titin; minus strand), TTN-AS1 (TTN antisense RNA 1; plus strand). Cytogenetic location: 2q31.2.
Variant type: single nucleotide variant.
Coding change: c.107864C>T on transcript NM_001267550.2 (MANE Select); coding-DNA position 107864, C replaced by T.
Protein change: p.Thr35955Ile; replaces threonine 35955 with isoleucine.
Molecular consequence: missense variant.
Genome position (GRCh38, 1-based): chr2:178,527,124, G>A on the plus strand (C>T on the coding strand, the complement: TTN is on the minus strand). VCF-style: chr2-178527124-G-A. GRCh37 (hg19) VCF-style: chr2-179391851-G-A.
Other names: c.102941C>T, p.Thr34314Ile (NM_001256850.1); c.80669C>T, p.Thr26890Ile (NM_003319.4); c.100160C>T, p.Thr33387Ile (NM_133378.4); c.81044C>T, p.Thr27015Ile (NM_133432.3); c.81245C>T, p.Thr27082Ile (NM_133437.4); short protein forms T35955I, T27015I, T26890I, T33387I, T34314I, T27082I.
Identifiers: ClinVar variation 466774 (VCV000466774.7), dbSNP rs370267738, ClinGen allele CA349398619.

ClinVar aggregate classification (germline): Uncertain significance (1 of 4 stars; one submission).

Conditions:
Autosomal recessive limb-girdle muscular dystrophy type 2J (LGMDR10). Also called: Limb-girdle muscular dystrophy, type 2J; MUSCULAR DYSTROPHY, LIMB-GIRDLE, AUTOSOMAL RECESSIVE 10. Identifiers: Orphanet 140922, MedGen C1837342, MONDO:0012127, OMIM 608807.
Dilated cardiomyopathy 1G (CMD1G). Identifiers: Orphanet 154, MedGen C1858763, MONDO:0011400, OMIM 604145.

gnomAD v4.1: 1 of 1,613,960 alleles (0.000062%); highest among the groups gnomAD compares: Non-Finnish European, 0.000085%; no homozygotes.

Submission:

Labcorp Genetics (formerly Invitae), Labcorp
Classification: Uncertain significance for Dilated cardiomyopathy 1G; Autosomal recessive limb-girdle muscular dystrophy type 2J. Last evaluated: 2023-12-04. Review status: criteria provided, single submitter. Criteria: Invitae Variant Classification Sherloc (09022015). Collection method: clinical testing. Allele origin: germline.
Comment: This sequence change replaces threonine, which is neutral and polar, with isoleucine, which is neutral and non-polar, at codon 35955 of the TTN protein (p.Thr35955Ile). This variant is not present in population databases (gnomAD no frequency). This variant has not been reported in the literature in individuals affected with TTN-related conditions. ClinVar contains an entry for this variant (Variation ID: 466774). Experimental studies and prediction algorithms are not available or were not evaluated, and the functional significance of this variant is currently unknown. This variant is located in the M band of TTN (PMID: 25589632). Non-truncating variants in this region may be relevant for neuromuscular disorders, but have not been definitively shown to cause cardiomyopathy (PMID: 23975875). In summary, the available evidence is currently insufficient to determine the role of this variant in disease. Therefore, it has been classified as a Variant of Uncertain Significance.

Literature cited by the submitters: PubMed 25589632; PubMed 23975875.